The following is an entry in ClinVar:

ClinVar aggregate classification (germline): Pathogenic (1 of 4 stars; one submission).

Submission:

Labcorp Genetics (formerly Invitae), Labcorp
Classification: Pathogenic. Last evaluated: 2023-04-30. Review status: criteria provided, single submitter. Criteria: Invitae Variant Classification Sherloc (09022015). Collection method: clinical testing. Allele origin: germline.
Comment: For these reasons, this variant has been classified as Pathogenic. ClinVar contains an entry for this variant (Variation ID: 2138627). This premature translational stop signal has been observed in individual(s) with choroideremia (PMID: 8832720). This variant is not present in population databases (gnomAD no frequency). This sequence change creates a premature translational stop signal (p.Gln106*) in the CHM gene. It is expected to result in an absent or disrupted protein product. Loss-of-function variants in CHM are known to be pathogenic (PMID: 9067750, 23811034).

Literature cited by the submitters: PubMed 8832720; PubMed 9067750; PubMed 23811034.

NM_000390.4(CHM):c.316C>T (p.Gln106Ter)

Genes: CHM (CHM Rab escort protein; minus strand), LOC129391306 (MPRA-validated peak7401 silencer; plus strand). Cytogenetic location: Xq21.2.
Variant type: single nucleotide variant.
Coding change: c.316C>T on transcript NM_000390.4 (MANE Select); coding-DNA position 316, C replaced by T.
Protein change: p.Gln106Ter; replaces glutamine 106 with a stop codon.
Molecular consequence: nonsense. On other transcripts: 5 prime UTR variant (2), intron variant (2).
Genome position (GRCh38, 1-based): chrX:85,964,051, G>A on the plus strand (C>T on the coding strand, the complement: CHM is on the minus strand). VCF-style: chrX-85964051-G-A. GRCh37 (hg19) VCF-style: chrX-85219056-G-A.
Other names: c.-129C>T (NM_001320959.1, NM_001362517.1); c.-126-3C>T (NM_001362519.1, NM_001362518.2); short protein forms Q106*.
Identifiers: ClinVar variation 2138627 (VCV002138627.4), dbSNP rs2520273810, ClinGen allele CA413787456.